The following is an entry in ClinVar:

ClinVar aggregate classification (germline): Uncertain significance. Review status: criteria provided, multiple submitters, no conflicts (2 of 4 stars). 5 submissions from 5 submitters: Uncertain significance (4). 1 of the submissions does not count toward it. Last evaluated 2026-01-26.

Conditions:
Abnormal bleeding. Also called: Bleeding diathesis. Identifiers: MedGen C1458140, HP:0001892.
Thrombocytopenia. Identifiers: MedGen C0040034, MeSH D013921, MONDO:0002049, HP:0001873.
Hermansky-Pudlak syndrome 10 (HPS10). Identifiers: Orphanet 664511, MedGen C4310746, MONDO:0014885, OMIM 617050.

Allele frequency attached by ClinVar (database versions not stated): ExAC 0.00047; gnomAD exomes 0.00057 and 0.00090; TOPMed 0.00059; ESP Exome Variant Server 0.00062; gnomAD 0.00091 and 0.00092; 1000 Genomes Project 30x 0.00031; 1000 Genomes Project 0.00040.
gnomAD v4.1: 1,433 of 1,612,056 alleles (0.089%); highest among the groups gnomAD compares: Non-Finnish European, 0.11%; 2 homozygotes.

Submissions (5):

Labcorp Genetics (formerly Invitae), Labcorp
Classification: Uncertain significance. Last evaluated: 2026-01-26. Review status: criteria provided, single submitter. Criteria: Invitae Variant Classification Sherloc (09022015). Collection method: clinical testing. Allele origin: germline.
Comment: This sequence change replaces alanine, which is neutral and non-polar, with threonine, which is neutral and polar, at codon 455 of the AP3D1 protein (p.Ala455Thr). This variant is present in population databases (rs200459002, gnomAD 0.1%). This variant has not been reported in the literature in individuals affected with AP3D1-related conditions. ClinVar contains an entry for this variant (Variation ID: 988866). An algorithm developed to predict the effect of missense changes on protein structure and function (PolyPhen-2) suggests that this variant is likely to be disruptive. In summary, the available evidence is currently insufficient to determine the role of this variant in disease. Therefore, it has been classified as a Variant of Uncertain Significance.

Mayo Clinic Laboratories, Mayo Clinic
Classification: Uncertain significance. Last evaluated: 2025-04-21. Review status: criteria provided, single submitter. Criteria: ACMG Guidelines, 2015. Collection method: clinical testing. Allele origin: germline. Observed: 2 variant alleles.
Comment: BP4

Women's Health and Genetics/Laboratory Corporation of America, LabCorp
Classification: Uncertain significance. Last evaluated: 2023-08-22. Review status: criteria provided, single submitter. Criteria: LabCorp Variant Classification Summary - May 2015. Collection method: clinical testing. Allele origin: germline.
Comment: Variant summary: AP3D1 c.1363G>A (p.Ala455Thr) results in a non-conservative amino acid change located in the Clathrin/coatomer adaptor, adaptin-like, N-terminal domain (IPR002553) of the encoded protein sequence. Four of five in-silico tools predict a damaging effect of the variant on protein function. The variant allele was found at a frequency of 0.00079 in 278336 control chromosomes in the gnomAD database, including 1 homozygote. The observed variant frequency is approximately 5.022 fold of the estimated maximal expected allele frequency for a pathogenic variant in AP3D1 causing Hermansky-Pudlak Syndrome phenotype (0.00016), suggesting that the variant may be benign. c.1363G>A has been reported in the literature in individuals affected with platelet dysfunction (e.g., Almanzi_2020, Louzil_2022), however, these report(s) do not provide unequivocal conclusions about association of the variant with Hermansky-Pudlak Syndrome. To our knowledge, no experimental evidence demonstrating an impact on protein function has been reported. The following publications have been ascertained in the context of this evaluation (PMID: 32935436, 36430862). Three submitters have cited clinical-significance assessments for this variant to ClinVar after 2014. All submitters classified the variant as uncertain significance. Based on the evidence outlined above, the variant was classified as VUS - possibly benign.

Fulgent Genetics
Classification: Uncertain significance for Hermansky-Pudlak syndrome 10. Last evaluated: 2021-11-04. Review status: criteria provided, single submitter. Criteria: ACMG Guidelines, 2015. Collection method: clinical testing. Allele origin: unknown.

Birmingham Platelet Group; University of Birmingham
Classification: Uncertain significance for Thrombocytopenia; Abnormal bleeding. Last evaluated: 2020-05-01. Review status: no assertion criteria provided. Collection method: research. Allele origin: germline. Affected: yes. Not counted in ClinVar's aggregate classification.

Literature cited by the submitters: PubMed 32935436 (cited by Mayo Clinic Laboratories, Mayo Clinic and Women's Health and Genetics/Laboratory Corporation of America, LabCorp); PubMed 36430862 (cited by Mayo Clinic Laboratories, Mayo Clinic and Women's Health and Genetics/Laboratory Corporation of America, LabCorp).

NM_001261826.3(AP3D1):c.1363G>A (p.Ala455Thr)

Gene: AP3D1 (adaptor related protein complex 3 subunit delta 1; minus strand). Cytogenetic location: 19p13.3.
Variant type: single nucleotide variant.
Coding change: c.1363G>A on transcript NM_001261826.3 (MANE Select); coding-DNA position 1363, G replaced by A.
Protein change: p.Ala455Thr; replaces alanine 455 with threonine.
Molecular consequence: missense variant.
Genome position (GRCh38, 1-based): chr19:2,120,980, C>T on the plus strand (G>A on the coding strand, the complement: AP3D1 is on the minus strand). VCF-style: chr19-2120980-C-T. GRCh37 (hg19) VCF-style: chr19-2120979-C-T.
Other names: p.Ala455Thr; c.1363G>A (NM_001261826.1); c.1363G>A, p.Ala455Thr (NM_001374799.1, NM_003938.8); short protein forms A455T.
Identifiers: ClinVar variation 988866 (VCV000988866.9), dbSNP rs200459002, ClinGen allele CA9059338.